The following is an entry in ClinVar:

ClinVar aggregate classification (germline): Uncertain significance. Review status: criteria provided, multiple submitters, no conflicts (2 of 4 stars). 6 submissions from 6 submitters: Uncertain significance (5). 1 of the submissions does not count toward it. Last evaluated 2025-05-16.

Conditions:
Pyridoxine-dependent epilepsy (EPEO4). Also called: Pyridoxine-Dependent Epilepsy - ALDH7A1; PYRIDOXINE DEPENDENCY WITH SEIZURES; EPILEPSY, EARLY-ONSET, 4, VITAMIN B6-DEPENDENT; Pyridoxine-Dependent Seizures. Identifiers: Orphanet 3006, MedGen C1849508, MONDO:0009945, OMIM 266100. Disease mechanism: loss of function.

Allele frequency attached by ClinVar (database versions not stated): gnomAD exomes below 0.00001.

Submissions (6):

Women's Health and Genetics/Laboratory Corporation of America, LabCorp
Classification: Uncertain significance. Last evaluated: 2025-05-16. Review status: criteria provided, single submitter. Criteria: LabCorp Variant Classification Summary - May 2015. Collection method: clinical testing. Allele origin: germline.
Comment: Variant summary: ALDH7A1 c.1439T>C (p.Ile480Thr) results in a non-conservative amino acid change in the encoded protein sequence. Algorithms developed to predict the effect of missense changes on protein structure and function all suggest that this variant is likely to be disruptive. The variant was absent in 251368 control chromosomes. The available data on variant occurrences in the general population are insufficient to allow any conclusion about variant significance. c.1439T>C has been observed in a compound heterozygous individual affected with Pyridoxine-Dependent Epilepsy (e.g. Boonsimma_2023). These data do not allow any conclusion about variant significance. To our knowledge, no experimental evidence demonstrating an impact on protein function has been reported. The following publication have been ascertained in the context of this evaluation (PMID: 36198807). ClinVar contains an entry for this variant (Variation ID: 350582). Based on the evidence outlined above, the variant was classified as uncertain significance.

Genome-Nilou Lab
Classification: Uncertain significance for Pyridoxine-dependent epilepsy. Last evaluated: 2023-04-11. Review status: criteria provided, single submitter. Criteria: ACMG Guidelines, 2015. Collection method: clinical testing. Allele origin: germline. Affected: no.

3billion
Classification: Uncertain significance for Pyridoxine-dependent epilepsy. Last evaluated: 2023-02-23. Review status: criteria provided, single submitter. Criteria: ACMG Guidelines, 2015. Collection method: clinical testing. Allele origin: unknown. Affected: yes.
Comment: The variant is not observed in the gnomAD v2.1.1 dataset. In silico tool predictions suggest damaging effect of the variant on gene or gene product (REVEL: 0.87; 3Cnet: 0.93). Therefore, this variant is classified as VUS according to the recommendation of ACMG/AMP guideline.

Labcorp Genetics (formerly Invitae), Labcorp
Classification: Uncertain significance for Pyridoxine-dependent epilepsy. Last evaluated: 2021-08-31. Review status: criteria provided, single submitter. Criteria: Invitae Variant Classification Sherloc (09022015). Collection method: clinical testing. Allele origin: germline.

Illumina Laboratory Services, Illumina
Classification: Uncertain significance for Pyridoxine-dependent epilepsy. Last evaluated: 2018-01-13. Review status: criteria provided, single submitter. Criteria: ICSL Variant Classification Criteria 13 December 2019. Collection method: clinical testing. Allele origin: germline.

Center of Excellence for Medical Genomics, Chulalongkorn University
Classification: Likely pathogenic for Pyridoxine-dependent epilepsy. Last evaluated: 2002-09-08. Review status: no assertion criteria provided. Collection method: research. Allele origin: paternal. Affected: yes. Not counted in ClinVar's aggregate classification.

Literature cited by the submitters: PubMed 36198807 (cited by Women's Health and Genetics/Laboratory Corporation of America, LabCorp).

NM_001182.5(ALDH7A1):c.1439T>C (p.Ile480Thr)

Gene: ALDH7A1 (aldehyde dehydrogenase 7 family member A1; minus strand). Cytogenetic location: 5q23.2.
Variant type: single nucleotide variant.
Coding change: c.1439T>C on transcript NM_001182.5 (MANE Select); coding-DNA position 1439, T replaced by C.
Protein change: p.Ile480Thr; replaces isoleucine 480 with threonine.
Molecular consequence: missense variant.
Genome position (GRCh38, 1-based): chr5:126,549,979, A>G on the plus strand (T>C on the coding strand, the complement: ALDH7A1 is on the minus strand). VCF-style: chr5-126549979-A-G. GRCh37 (hg19) VCF-style: chr5-125885671-A-G.
Other names: c.1355T>C, p.Ile452Thr (NM_001201377.2); c.1247T>C, p.Ile416Thr (NM_001202404.2); short protein forms I480T, I452T, I416T.
Identifiers: ClinVar variation 350582 (VCV000350582.14), dbSNP rs886059849, ClinGen allele CA10618887.
Genomic context (GRCh38, chr5:126,549,979, plus strand): 5'-CTCTACGTACCAAAGGCACCTCCAATCTCAGCCCCACTTGTTGGAATGTTGACATTTACA[A>G]TGCCACAGTCTGATCCTTTAGGTCTGTGTAAAAAGGGAGGCATGGTGAGAGCAATGAACA-3'
Protein context (NP_001173.2, residues 470-490): WLGPKGSDCG[Ile480Thr]VNVNIPTSGA